The following is an entry in ClinVar:

ClinVar aggregate classification (germline): Uncertain significance (1 of 4 stars; one submission).

Submission:

GeneDx
Classification: Uncertain significance. Last evaluated: 2024-03-21. Review status: criteria provided, single submitter. Criteria: GeneDx Variant Classification Process June 2021. Collection method: clinical testing. Allele origin: germline. Affected: yes.
Comment: Not observed at significant frequency in large population cohorts (gnomAD); In silico analysis supports that this missense variant does not alter protein structure/function; Has not been previously published as pathogenic or benign to our knowledge

NM_005445.4(SMC3):c.2777C>T (p.Thr926Ile)

Gene: SMC3 (structural maintenance of chromosomes 3; plus strand). Cytogenetic location: 10q25.2.
Variant type: single nucleotide variant.
Coding change: c.2777C>T on transcript NM_005445.4 (MANE Select); coding-DNA position 2777, C replaced by T.
Protein change: p.Thr926Ile; replaces threonine 926 with isoleucine.
Molecular consequence: missense variant.
Genome position (GRCh38, 1-based): chr10:110,601,769, C>T. VCF-style: chr10-110601769-C-T. GRCh37 (hg19) VCF-style: chr10-112361527-C-T.
Other names: short protein forms T926I.
Identifiers: ClinVar variation 3371248 (VCV003371248.1).